The following is an entry in ClinVar:

ClinVar aggregate classification (germline): Uncertain significance (1 of 4 stars; one submission).

Conditions:
Inborn genetic diseases. Identifiers: MedGen C0950123, MeSH D030342.

Allele frequency attached by ClinVar (database versions not stated): gnomAD exomes below 0.00001.
gnomAD v4.1: 1 of 1,614,056 alleles (0.000062%); highest among the groups gnomAD compares: East Asian, 0.0022%; no homozygotes.

Submission:

Ambry Genetics
Classification: Uncertain significance for Inborn genetic diseases. Last evaluated: 2023-09-07. Review status: criteria provided, single submitter. Criteria: Ambry Variant Classification Scheme 2023. Collection method: clinical testing. Allele origin: germline.
Comment: The p.S187T variant (also known as c.559T>A), located in coding exon 5 of the EPAS1 gene, results from a T to A substitution at nucleotide position 559. The serine at codon 187 is replaced by threonine, an amino acid with similar properties. This amino acid position is conserved. In addition, this alteration is predicted to be tolerated by in silico analysis. Since supporting evidence is limited at this time, the clinical significance of this alteration remains unclear.

NM_001430.5(EPAS1):c.559T>A (p.Ser187Thr)

Genes: EPAS1 (endothelial PAS domain protein 1; plus strand), LOC126806210 (BRD4-independent group 4 enhancer GRCh37_chr2:46587586-46588785; plus strand). Cytogenetic location: 2p21.
Variant type: single nucleotide variant.
Coding change: c.559T>A on transcript NM_001430.5 (MANE Select); coding-DNA position 559, T replaced by A.
Protein change: p.Ser187Thr; replaces serine 187 with threonine.
Molecular consequence: missense variant.
Genome position (GRCh38, 1-based): chr2:46,360,742, T>A. VCF-style: chr2-46360742-T-A. GRCh37 (hg19) VCF-style: chr2-46587881-T-A.
Other names: short protein forms S187T.
Identifiers: ClinVar variation 1748537 (VCV001748537.3), dbSNP rs1324579632, ClinGen allele CA346699450.